The following is an entry in ClinVar:

NM_000203.5(IDUA):c.46_57dup (p.Ala19_Ala20insSerLeuLeuAla)

Genes: IDUA (alpha-L-iduronidase; plus strand), SLC26A1 (solute carrier family 26 member 1; minus strand). Cytogenetic location: 4p16.3.
Variant type: Duplication.
Coding change: c.46_57dup on transcript NM_000203.5 (MANE Select); coding-DNA positions 46 to 57, 12 bases duplicated (TCGCTCCTGGCC).
Protein change: p.Ala19_Ala20insSerLeuLeuAla.
Molecular consequence: inframe insertion. On other transcripts: intron variant (1), non-coding transcript variant (1).
Genome position (GRCh38, 1-based): chr4:987,130-987,141, TCGCTCCTGGCC duplicated; duplicating any 12 consecutive bases within chr4:987,119-987,141 gives the same sequence; the c. name uses the placement nearest the transcript's 3' end. VCF-style (leftmost placement, unchanged base first): chr4-987118-G-GCGCTCCTGGCCT. GRCh37 (hg19) VCF-style: chr4-980906-G-GCGCTCCTGGCCT.
Other names: c.576+3998_576+4009dup (NM_134425.4).
Identifiers: ClinVar variation 2169787 (VCV002169787.1), dbSNP rs398123260, ClinGen allele CA91144645.

ClinVar aggregate classification (germline): Uncertain significance (1 of 4 stars; one submission).

Conditions:
Mucopolysaccharidosis type 1. Also called: IDUA deficiency; MPS I; Mucopolysaccharidosis Type I. Identifiers: Orphanet 579, MedGen C0023786, MONDO:0001586.

Submission:

Labcorp Genetics (formerly Invitae), Labcorp
Classification: Uncertain significance for Mucopolysaccharidosis type 1. Last evaluated: 2022-10-25. Review status: criteria provided, single submitter. Criteria: Invitae Variant Classification Sherloc (09022015). Collection method: clinical testing. Allele origin: germline.
Comment: This variant, c.46_57dup, results in the insertion of 4 amino acid(s) of the IDUA protein (p.Ser16_Ala19dup), but otherwise preserves the integrity of the reading frame. This variant is present in population databases (no rsID available, gnomAD 0.008%). This variant has not been reported in the literature in individuals affected with IDUA-related conditions. Experimental studies and prediction algorithms are not available or were not evaluated, and the functional significance of this variant is currently unknown. In summary, the available evidence is currently insufficient to determine the role of this variant in disease. Therefore, it has been classified as a Variant of Uncertain Significance.